The following is an entry in ClinVar:

NM_001287491.2(TET3):c.3267+5G>A

Gene: TET3 (tet methylcytosine dioxygenase 3; plus strand). Cytogenetic location: 2p13.1.
Variant type: single nucleotide variant.
Coding change: c.3267+5G>A on transcript NM_001287491.2 (MANE Select); 5 bases into the intron after coding-DNA position 3267, G replaced by A.
Molecular consequence: intron variant.
Genome position (GRCh38, 1-based): chr2:74,093,671, G>A. VCF-style: chr2-74093671-G-A. GRCh37 (hg19) VCF-style: chr2-74320798-G-A.
Other names: c.2988+5G>A (NM_001366022.1).
Identifiers: ClinVar variation 4056930 (VCV004056930.1).

ClinVar aggregate classification (germline): Uncertain significance (1 of 4 stars; one submission).

Submission:

GeneDx
Classification: Uncertain significance. Last evaluated: 2025-01-08. Review status: criteria provided, single submitter. Criteria: GeneDx Variant Classification Process June 2021. Collection method: clinical testing. Allele origin: germline. Affected: yes.
Comment: Not observed at significant frequency in large population cohorts (gnomAD); In silico analysis indicates that this variant does not alter splicing; Has not been previously published as pathogenic or benign to our knowledge